The following is an entry in ClinVar:

ClinVar aggregate classification (germline): Uncertain significance. Review status: criteria provided, multiple submitters, no conflicts (2 of 4 stars). 2 submissions from 2 submitters: Uncertain significance (2). Last evaluated 2025-02-25.

Conditions:
Inborn genetic diseases. Identifiers: MedGen C0950123, MeSH D030342.

Allele frequency attached by ClinVar (database versions not stated): TOPMed below 0.00001; gnomAD 0.00001; gnomAD exomes 0.00001.
gnomAD v4.1: 13 of 1,609,220 alleles (0.00081%); highest among the groups gnomAD compares: African/African-American, 0.0027%; no homozygotes.

Submissions (2):

GeneDx
Classification: Uncertain significance. Last evaluated: 2025-02-25. Review status: criteria provided, single submitter. Criteria: GeneDx Variant Classification Process June 2021. Collection method: clinical testing. Allele origin: germline. Affected: yes.
Comment: Not observed at significant frequency in large population cohorts (gnomAD); In silico analysis indicates that this missense variant does not alter protein structure/function; Has not been previously published as pathogenic or benign to our knowledge

Ambry Genetics
Classification: Uncertain significance for Inborn genetic diseases. Last evaluated: 2023-12-28. Review status: criteria provided, single submitter. Criteria: Ambry Variant Classification Scheme 2023. Collection method: clinical testing. Allele origin: germline.

NM_133259.4(LRPPRC):c.3373A>G (p.Thr1125Ala)

Gene: LRPPRC (leucine rich pentatricopeptide repeat containing; minus strand). Cytogenetic location: 2p21.
Variant type: single nucleotide variant.
Coding change: c.3373A>G on transcript NM_133259.4 (MANE Select); coding-DNA position 3373, A replaced by G.
Protein change: p.Thr1125Ala; replaces threonine 1125 with alanine.
Molecular consequence: missense variant.
Genome position (GRCh38, 1-based): chr2:43,901,516, T>C on the plus strand (A>G on the coding strand, the complement: LRPPRC is on the minus strand). VCF-style: chr2-43901516-T-C. GRCh37 (hg19) VCF-style: chr2-44128655-T-C.
Other names: short protein forms T1125A.
Identifiers: ClinVar variation 3120364 (VCV003120364.2), dbSNP rs935027000, ClinGen allele CA46508190.